The following is an entry in ClinVar:

NM_000051.4(ATM):c.6025T>C (p.Tyr2009His)

Genes: ATM (ATM serine/threonine kinase; plus strand), C11orf65 (chromosome 11 open reading frame 65; minus strand). Cytogenetic location: 11q22.3.
Variant type: single nucleotide variant.
Coding change: c.6025T>C on transcript NM_000051.4 (MANE Select); coding-DNA position 6025, T replaced by C.
Protein change: p.Tyr2009His; replaces tyrosine 2009 with histidine.
Molecular consequence: missense variant. On other transcripts: intron variant (2).
Genome position (GRCh38, 1-based): chr11:108,315,841, T>C. VCF-style: chr11-108315841-T-C. GRCh37 (hg19) VCF-style: chr11-108186568-T-C.
Other names: p.Y2009H:TAC>CAC; p.Tyr2009His; c.6025T>C, p.Tyr2009His (NM_001351834.2); c.641-6770A>G (NM_001330368.2); c.*39-6770A>G (NM_001351110.2); short protein forms Y2009H.
Identifiers: ClinVar variation 181973 (VCV000181973.46), dbSNP rs199586999, ClinGen allele CA298293.

ClinVar aggregate classification (germline): Uncertain significance. Review status: criteria provided, multiple submitters, no conflicts (2 of 4 stars). 11 submissions from 11 submitters: Uncertain significance (10). 1 of the submissions does not count toward it. Last evaluated 2026-02-02.

Conditions:
Hereditary cancer-predisposing syndrome. Also called: Hereditary Cancer Syndrome; Tumor predisposition; Neoplastic Syndromes, Hereditary; Hereditary neoplastic syndrome. Identifiers: Orphanet 140162, MedGen C0027672, MeSH D009386, MONDO:0015356.
Familial cancer of breast. Also called: hereditary breast carcinoma; BREAST CANCER, FAMILIAL; Hereditary breast cancer. Identifiers: Orphanet 227535, MedGen C0346153, MONDO:0016419, OMIM 114480. Disease mechanism: loss of function.
Ataxia-telangiectasia syndrome (AT). Also called: ATAXIA-TELANGIECTASIA, COMPLEMENTATION GROUP A; ATAXIA-TELANGIECTASIA, FRESNO VARIANT; Ataxia-telangiectasia; Ataxia-telangiectasia, complementation group E; Cerebello-oculocutaneous telangiectasia; Immunodeficiency with ataxia telangiectasia. Identifiers: Orphanet 100, MedGen C0004135, MONDO:0008840, OMIM 208900.

Allele frequency attached by ClinVar (database versions not stated): TOPMed 0.00002; gnomAD exomes 0.00001 and 0.00002; ExAC 0.00002; gnomAD 0.00001 and 0.00002.
gnomAD v4.1: 37 of 1,612,340 alleles (0.0023%); highest among the groups gnomAD compares: Non-Finnish European, 0.0028%; no homozygotes.

Submissions (11):

Labcorp Genetics (formerly Invitae), Labcorp
Classification: Uncertain significance for Ataxia-telangiectasia syndrome. Last evaluated: 2026-02-02. Review status: criteria provided, single submitter. Criteria: Invitae Variant Classification Sherloc (09022015). Collection method: clinical testing. Allele origin: germline.
Comment: This sequence change replaces tyrosine, which is neutral and polar, with histidine, which is basic and polar, at codon 2009 of the ATM protein (p.Tyr2009His). This variant is present in population databases (rs199586999, gnomAD 0.003%). This missense change has been observed in individual(s) with ATM-related conditions (PMID: 25186627, 33436325, 34326862). ClinVar contains an entry for this variant (Variation ID: 181973). Invitae Evidence Modeling of protein sequence and biophysical properties (such as structural, functional, and spatial information, amino acid conservation, physicochemical variation, residue mobility, and thermodynamic stability) has been performed for this missense variant. However, the output from this modeling did not meet the statistical confidence thresholds required to predict the impact of this variant on ATM protein function. In summary, the available evidence is currently insufficient to determine the role of this variant in disease. Therefore, it has been classified as a Variant of Uncertain Significance.

Mayo Clinic Laboratories, Mayo Clinic
Classification: Uncertain significance. Last evaluated: 2025-05-19. Review status: criteria provided, single submitter. Criteria: ACMG Guidelines, 2015. Collection method: clinical testing. Allele origin: germline. Observed: 1 variant allele.
Comment: PP3, PM2_supporting

GeneDx
Classification: Uncertain significance. Last evaluated: 2025-02-21. Review status: criteria provided, single submitter. Criteria: GeneDx Variant Classification Process June 2021. Collection method: clinical testing. Allele origin: germline. Affected: yes.
Comment: Observed in individuals with a personal or family history of breast or prostate cancer, but also in healthy controls (PMID: 25186627, 28779002, 28652578, 34326862, 33471991, 33436325); Not observed at significant frequency in large population cohorts (gnomAD); In silico analysis supports that this missense variant has a deleterious effect on protein structure/function; This variant is associated with the following publications: (PMID: 28779002, 25186627, 26238431, 28652578, 33436325, 33471991, 34326862, 23532176, 34262154)

Ambry Genetics
Classification: Uncertain significance for Hereditary cancer-predisposing syndrome. Last evaluated: 2024-12-21. Review status: criteria provided, single submitter. Criteria: Ambry Variant Classification Scheme 2023. Collection method: clinical testing. Allele origin: germline.
Comment: The p.Y2009H variant (also known as c.6025T>C), located in coding exon 40 of the ATM gene, results from a T to C substitution at nucleotide position 6025. The tyrosine at codon 2009 is replaced by histidine, an amino acid with similar properties. This alteration has been reported in at least one subject in a study of 13087 breast cancer cases and 5488 control individuals in the UK (Decker B et al. J. Med. Genet., 2017 11;54:732-741). This amino acid position is highly conserved in available vertebrate species. In addition, the in silico prediction for this alteration is inconclusive. Based on the available evidence, the clinical significance of this variant remains unclear.

Athena Diagnostics
Classification: Uncertain significance. Last evaluated: 2024-06-04. Review status: criteria provided, single submitter. Criteria: Athena Diagnostics Criteria. Collection method: clinical testing. Allele origin: unknown.
Comment: Available data are insufficient to determine the clinical significance of the variant at this time. The frequency of this variant in the general population is uninformative in assessment of its pathogenicity. Polyphen and MutationTaster predict this amino acid change may be damaging to the protein.

Women's Health and Genetics/Laboratory Corporation of America, LabCorp
Classification: Uncertain significance. Last evaluated: 2024-04-29. Review status: criteria provided, single submitter. Criteria: LabCorp Variant Classification Summary - May 2015. Collection method: clinical testing. Allele origin: germline.
Comment: Variant summary: ATM c.6025T>C (p.Tyr2009His) results in a conservative amino acid change located in the PIK-related kinase domain (IPR014009) of the encoded protein sequence. Three of five in-silico tools predict a damaging effect of the variant on protein function. The variant allele was found at a frequency of 1.6e-05 in 253324 control chromosomes. The available data on variant occurrences in the general population are insufficient to allow any conclusion about variant significance. c.6025T>C has been reported in the literature in settings of multigene panel testing in individuals affected with breast cancer or prostate cancer as well as in healthy controls (Tung_2014, Tiao_2017, Karlsson_2021). These report(s) do not provide unequivocal conclusions about association of the variant with Ataxia-Telangiectasia and/or AT-related Breast/Prostate been reported. To our knowledge, no experimental evidence demonstrating an impact on protein function has been reported. The following publications have been ascertained in the context of this evaluation (PMID: 33436325, 26238431, 28652578, 25186627). ClinVar contains an entry for this variant (Variation ID: 181973). Based on the evidence outlined above, the variant was classified as uncertain significance.

Baylor Genetics
Classification: Uncertain significance for Familial cancer of breast. Last evaluated: 2024-02-16. Review status: criteria provided, single submitter. Criteria: ACMG Guidelines, 2015. Collection method: clinical testing. Allele origin: unknown.

Color Diagnostics, LLC DBA Color Health
Classification: Uncertain significance for Hereditary cancer-predisposing syndrome. Last evaluated: 2023-10-26. Review status: criteria provided, single submitter. Criteria: ACMG Guidelines, 2015. Collection method: clinical testing. Allele origin: germline.
Comment: This missense variant replaces tyrosine with histidine at codon 2009 of the ATM protein. Computational prediction is inconclusive regarding the impact of this variant on protein structure and function (internally defined REVEL score threshold 0.5 < inconclusive < 0.7, PMID: 27666373). To our knowledge, functional studies have not been reported for this variant. This variant has been reported in individuals affected with breast cancer but also in unaffected controls (PMID: 25186627, 28652578, 28779002, 33471991). This variant has been identified in 4/282688 chromosomes in the general population by the Genome Aggregation Database (gnomAD). The available evidence is insufficient to determine the role of this variant in disease conclusively. Therefore, this variant is classified as a Variant of Uncertain Significance.

Sema4
Classification: Uncertain significance for Hereditary cancer-predisposing syndrome. Last evaluated: 2021-11-15. Review status: criteria provided, single submitter. Criteria: Sema4 Curation Guidelines. Collection method: curation. Allele origin: germline.
Comment: The ATM c.6025T>C (p.Y2009H) variant has been reported in heterozygosity in individuals with breast cancer and prostate cancer (PMID: 25186627, 28779002, 33471991, 33436325). It was observed in 4/129060 chromosomes of the Non-Finnish European subpopulation in the large and broad cohorts of the Genome Aggregation Database (PMID: 32461654). The variant has been reported in ClinVar (Variation ID 181973). Functional studies have not been performed, and in silico predictions of the variant's effect on protein function are inconclusive. The evidence is insufficient to meet ACMG/AMP criteria for classifying the variant as benign or pathogenic. Thus, the clinical significance of this variant is currently uncertain.

Illumina Laboratory Services, Illumina
Classification: Uncertain significance for Ataxia-telangiectasia syndrome. Last evaluated: 2018-01-12. Review status: criteria provided, single submitter. Criteria: ICSL Variant Classification Criteria 13 December 2019. Collection method: clinical testing. Allele origin: germline.

Natera, Inc.
Classification: Uncertain significance for Ataxia-telangiectasia. Last evaluated: 2020-01-26. Review status: no assertion criteria provided. Collection method: clinical testing. Allele origin: germline. Not counted in ClinVar's aggregate classification.

Literature cited by the submitters: PubMed 25186627 (cited by 6 submitters); PubMed 33436325 (cited by 4 submitters); PubMed 34326862 (cited by Labcorp Genetics (formerly Invitae), Labcorp and Athena Diagnostics); PubMed 28779002 (cited by 4 submitters); PubMed 28652578 (cited by 3 submitters); PubMed 33471991 (cited by 3 submitters); PubMed 26238431 (cited by Athena Diagnostics and Women's Health and Genetics/Laboratory Corporation of America, LabCorp); PubMed 28569743 (cited by Athena Diagnostics); PubMed 32165095 (cited by Athena Diagnostics).